The following is an entry in ClinVar:

ClinVar aggregate classification (germline): Likely benign (1 of 4 stars; one submission).

gnomAD v4.1: 1 of 1,608,790 alleles (0.000062%); highest among the groups gnomAD compares: Middle Eastern, 0.017%; no homozygotes.

Submission:

CeGaT Center for Human Genetics Tuebingen
Classification: Likely benign. Last evaluated: 2022-05-01. Review status: criteria provided, single submitter. Criteria: CeGaT Center For Human Genetics Tuebingen Variant Classification Criteria Version 2. Collection method: clinical testing. Allele origin: germline. Affected: yes. Observed: 1 variant allele.
Comment: ADGRG6: PM2:Supporting, BP4, BP7

NM_198569.3(ADGRG6):c.3549C>G (p.Thr1183=)

Gene: ADGRG6 (adhesion G protein-coupled receptor G6; plus strand). Cytogenetic location: 6q24.2.
Variant type: single nucleotide variant.
Coding change: c.3549C>G on transcript NM_198569.3 (MANE Select); coding-DNA position 3549, C replaced by G.
Protein change: p.Thr1183=; no amino-acid change (threonine 1183 retained).
Molecular consequence: synonymous variant.
Genome position (GRCh38, 1-based): chr6:142,438,339, C>G. VCF-style: chr6-142438339-C-G. GRCh37 (hg19) VCF-style: chr6-142759476-C-G.
Other names: c.3465C>G, p.Thr1155= (NM_001032394.3, NM_001032395.3); c.3549C>G, p.Thr1183= (NM_020455.6).
Identifiers: ClinVar variation 1695167 (VCV001695167.31), dbSNP rs2115197012, ClinGen allele CA452442332.
Genomic context (GRCh38, chr6:142,438,339, plus strand): 5'-AAGCTCCATTGGTTCCAACTCAACCTATCTTACATCCAAATCTAAATCCAGCTCTACCAC[C>G]TATTTCAAAAGGAATAGCCACACAGGTGAGTCTAAAGATGTCCTCAAGTTTAGTTCTCAT-3'
Protein context (NP_940971.2, residues 1173-1193): LTSKSKSSST[Thr1183=]YFKRNSHTDS